The following is an entry in ClinVar:

NM_023110.3(FGFR1):c.-88-1576C>T

Gene: FGFR1 (fibroblast growth factor receptor 1; minus strand). Cytogenetic location: 8p11.23.
Variant type: single nucleotide variant.
Coding change: c.-88-1576C>T on transcript NM_023110.3 (MANE Select); 1576 bases into the intron before 88 bases upstream of the start codon, C replaced by T.
Molecular consequence: intron variant.
Genome position (GRCh38, 1-based): chr8:38,459,110, G>A on the plus strand (C>T on the coding strand, the complement: FGFR1 is on the minus strand). VCF-style: chr8-38459110-G-A. GRCh37 (hg19) VCF-style: chr8-38316628-G-A.
Other names: c.-88-1576C>T (NM_001354368.2, NM_001354370.2, NM_023106.3 and 8 more transcripts); c.-180-1576C>T (NM_001174064.2); c.12-1576C>T (NM_001174067.2).
Identifiers: ClinVar variation 2658555 (VCV002658555.24), dbSNP rs528456436, ClinGen allele CA175774648.

ClinVar aggregate classification (germline): Likely benign (1 of 4 stars; one submission).

Allele frequency attached by ClinVar (database versions not stated): 1000 Genomes Project 0.00020; gnomAD 0.00022; TOPMed 0.00022; gnomAD exomes 0.00029; 1000 Genomes Project 30x 0.00031.
gnomAD v4.1: 55 of 227,346 alleles (0.024%); highest among the groups gnomAD compares: Middle Eastern, 0.13%; no homozygotes.

Submission:

CeGaT Center for Human Genetics Tuebingen
Classification: Likely benign. Last evaluated: 2024-06-01. Review status: criteria provided, single submitter. Criteria: CeGaT Center For Human Genetics Tuebingen Variant Classification Criteria Version 2. Collection method: clinical testing. Allele origin: germline. Affected: yes. Observed: 2 variant alleles.
Comment: FGFR1: BS1